The following is an entry in ClinVar:

NM_001378609.3(OTOGL):c.4456C>A (p.Gln1486Lys)

Gene: OTOGL (otogelin like; plus strand). Cytogenetic location: 12q21.31.
Variant type: single nucleotide variant.
Coding change: c.4456C>A on transcript NM_001378609.3 (MANE Select); coding-DNA position 4456, C replaced by A.
Protein change: p.Gln1486Lys; replaces glutamine 1486 with lysine.
Molecular consequence: missense variant.
Genome position (GRCh38, 1-based): chr12:80,335,996, C>A. VCF-style: chr12-80335996-C-A. GRCh37 (hg19) VCF-style: chr12-80729776-C-A.
Other names: c.4321C>A, p.Gln1441Lys (NM_001368062.3); c.4456C>A, p.Gln1486Lys (NM_001378610.3, NM_173591.7); short protein forms Q1441K, Q1486K.
Identifiers: ClinVar variation 3906300 (VCV003906300.1).

ClinVar aggregate classification (germline): Uncertain significance (1 of 4 stars; one submission).

gnomAD v4.1: 33 of 1,594,918 alleles (0.0021%); highest among the groups gnomAD compares: Non-Finnish European, 0.0026%; no homozygotes.

Submission:

GeneDx
Classification: Uncertain significance. Last evaluated: 2024-12-20. Review status: criteria provided, single submitter. Criteria: GeneDx Variant Classification Process June 2021. Collection method: clinical testing. Allele origin: germline. Affected: yes.
Comment: Not observed at significant frequency in large population cohorts (gnomAD); In silico analysis indicates that this missense variant does not alter protein structure/function; Has not been previously published as pathogenic or benign to our knowledge